The following is an entry in ClinVar:

NM_014363.6(SACS):c.13645A>G (p.Asn4549Asp)

Gene: SACS (sacsin molecular chaperone; minus strand). Cytogenetic location: 13q12.12.
Variant type: single nucleotide variant.
Coding change: c.13645A>G on transcript NM_014363.6 (MANE Select); coding-DNA position 13645, A replaced by G.
Protein change: p.Asn4549Asp; replaces asparagine 4549 with aspartic acid.
Molecular consequence: missense variant.
Genome position (GRCh38, 1-based): chr13:23,330,231, T>C on the plus strand (A>G on the coding strand, the complement: SACS is on the minus strand). VCF-style: chr13-23330231-T-C. GRCh37 (hg19) VCF-style: chr13-23904370-T-C.
Other names: c.13204A>G, p.Asn4402Asp (NM_001278055.2); short protein forms N4549D, N4402D.
Identifiers: ClinVar variation 554337 (VCV000554337.4), dbSNP rs1178912631, ClinGen allele CA387504800.

ClinVar aggregate classification (germline): Conflicting classifications of pathogenicity. Review status: criteria provided, conflicting classifications (1 of 4 stars). 3 submissions from 3 submitters: Pathogenic (1); Uncertain significance (1). 1 of the submissions does not count toward it. Last evaluated 2025-05-15.

Conditions:
Charlevoix-Saguenay spastic ataxia (SACS). Also called: Spastic ataxia of Charlevoix-Saguenay; SPASTIC ATAXIA 6, AUTOSOMAL RECESSIVE; AUTOSOMAL RECESSIVE SPASTIC ATAXIA OF CHARLEVOIX-SAGUENAY. Identifiers: Orphanet 98, MedGen C1849140, MONDO:0010041, OMIM 270550.

gnomAD v4.1: 5 of 1,614,130 alleles (0.00031%); highest among the groups gnomAD compares: Non-Finnish European, 0.00042%; no homozygotes.

Submissions (3):

Women's Health and Genetics/Laboratory Corporation of America, LabCorp
Classification: Pathogenic for Charlevoix-Saguenay spastic ataxia. Last evaluated: 2025-05-15. Review status: criteria provided, single submitter. Criteria: LabCorp Variant Classification Summary - May 2015. Collection method: clinical testing. Allele origin: germline.
Comment: Variant summary: SACS c.13645A>G (p.Asn4549Asp) results in a conservative amino acid change in the encoded protein sequence. Algorithms developed to predict the effect of missense changes on protein structure and function are either unavailable or do not agree on the potential impact of this missense change. The variant was absent in 251398 control chromosomes. c.13645A>G has been observed in multiple individuals affected with Autosomal Recessive Spastic Ataxia Of Charlevoix-Saguenay (example, Richter_2004). These data indicate that the variant is very likely to be associated with disease. To our knowledge, no experimental evidence demonstrating an impact on protein function has been reported. The following publication has been ascertained in the context of this evaluation (PMID: 15156359). ClinVar contains an entry for this variant (Variation ID: 554337). Based on the evidence outlined above, the variant was classified as pathogenic.

Kariminejad - Najmabadi Pathology & Genetics Center
Classification: Uncertain significance for Charlevoix-Saguenay spastic ataxia. Last evaluated: 2023-08-14. Review status: criteria provided, single submitter. Criteria: ACMG Guidelines, 2015. Collection method: clinical testing. Allele origin: germline. Inheritance: Autosomal recessive inheritance. Affected: yes.
Comment: PM2, PP3

Counsyl
Classification: Uncertain significance for Charlevoix-Saguenay spastic ataxia. Last evaluated: 2017-10-16. Review status: no assertion criteria provided. Collection method: clinical testing. Allele origin: unknown. Not counted in ClinVar's aggregate classification.

Literature cited by the submitters: PubMed 15156359 (cited by Women's Health and Genetics/Laboratory Corporation of America, LabCorp and Counsyl); PubMed 21507954 (cited by Counsyl); PubMed 22287014 (cited by Counsyl).